The following is an entry in ClinVar:

ClinVar aggregate classification (germline): Uncertain significance (1 of 4 stars; one submission).

Conditions:
ADAMTS19-related disorder. Also called: ADAMTS19-related condition.

Submission:

PreventionGenetics, part of Exact Sciences
Classification: Uncertain significance for ADAMTS19-related condition. Last evaluated: 2023-04-12. Review status: criteria provided, single submitter. Criteria: ACMG Guidelines, 2015. Collection method: clinical testing. Allele origin: germline.
Comment: The ADAMTS19 c.1620-2A>C variant is predicted to disrupt the AG splice acceptor site and interfere with normal splicing. To our knowledge, this variant has not been reported in the literature or in a large population database, indicating this variant is rare. At this time, the clinical significance of this variant is uncertain due to the absence of conclusive functional and genetic evidence.

NM_133638.6(ADAMTS19):c.1620-2A>C

Gene: ADAMTS19 (ADAM metallopeptidase with thrombospondin type 1 motif 19; plus strand). Cytogenetic location: 5q23.3.
Variant type: single nucleotide variant.
Coding change: c.1620-2A>C on transcript NM_133638.6 (MANE Select); the canonical splice acceptor site of the intron before coding-DNA position 1620, A replaced by C.
Molecular consequence: splice acceptor variant.
Genome position (GRCh38, 1-based): chr5:129,622,196, A>C. VCF-style: chr5-129622196-A-C. GRCh37 (hg19) VCF-style: chr5-128957889-A-C.
Identifiers: ClinVar variation 2633743 (VCV002633743.1), dbSNP rs1422314663, ClinGen allele CA360767555.